The following is an entry in ClinVar:

ClinVar aggregate classification (germline): Uncertain significance (1 of 4 stars; one submission).

Conditions:
ANLN-related disorder. Also called: ANLN-related condition.

gnomAD v4.1: 2 of 1,613,598 alleles (0.00012%); highest among the groups gnomAD compares: African/African-American, 0.0027%; no homozygotes.

Submission:

PreventionGenetics, part of Exact Sciences
Classification: Uncertain significance for ANLN-related condition. Last evaluated: 2025-03-11. Review status: criteria provided, single submitter. Criteria: ACMG Guidelines, 2015. Collection method: clinical testing. Allele origin: germline.
Comment: The ANLN c.431C>T variant is predicted to result in the amino acid substitution p.Thr144Ile. To our knowledge, this variant has not been reported in the literature or in a large population database (gnomAD), indicating this variant is rare. At this time, the clinical significance of this variant is uncertain due to the absence of conclusive functional and genetic evidence.

NM_018685.5(ANLN):c.431C>T (p.Thr144Ile)

Gene: ANLN (anillin, actin binding protein; plus strand). Cytogenetic location: 7p14.2.
Variant type: single nucleotide variant.
Coding change: c.431C>T on transcript NM_018685.5 (MANE Select); coding-DNA position 431, C replaced by T.
Protein change: p.Thr144Ile; replaces threonine 144 with isoleucine.
Molecular consequence: missense variant.
Genome position (GRCh38, 1-based): chr7:36,399,337, C>T. VCF-style: chr7-36399337-C-T. GRCh37 (hg19) VCF-style: chr7-36438946-C-T.
Other names: c.431C>T, p.Thr144Ile (NM_001284301.3, NM_001284302.3); short protein forms T144I.
Identifiers: ClinVar variation 4983698 (VCV004983698.1).